The following is an entry in ClinVar:

ClinVar aggregate classification (germline): Uncertain significance (1 of 4 stars; one submission).

Conditions:
FAN1-related disorder. Also called: FAN1-related condition.

Allele frequency attached by ClinVar (database versions not stated): TOPMed below 0.00001; ExAC 0.00001; gnomAD 0.00001; gnomAD exomes 0.00002.
gnomAD v4.1: 31 of 1,613,952 alleles (0.0019%); highest among the groups gnomAD compares: Non-Finnish European, 0.0025%; no homozygotes.

Submission:

PreventionGenetics, part of Exact Sciences
Classification: Uncertain significance for FAN1-related condition. Last evaluated: 2026-04-03. Review status: criteria provided, single submitter. Criteria: ACMG Guidelines, 2015. Collection method: clinical testing. Allele origin: germline.
Comment: The FAN1 c.418G>T variant is predicted to result in the amino acid substitution p.Asp140Tyr. This variant was reported in two individuals with colorectal cancer from one family (Seguí et al 2015. PubMed ID: 26052075). Functional analysis suggests this variant impacts the cross-link repair activity of FAN1 (Seguí et al 2015. PubMed ID: 26052075). This variant is reported in 0.00088% of alleles in individuals of European (Non-Finnish) descent in gnomAD and has been reported as a variant of uncertain significance in ClinVar (ClinVar ID: 2630489). At this time, the clinical significance of this variant is uncertain due to the absence of conclusive functional and genetic evidence.

NM_014967.5(FAN1):c.418G>T (p.Asp140Tyr)

Gene: FAN1 (FANCD2 and FANCI associated nuclease 1; plus strand). Cytogenetic location: 15q13.3.
Variant type: single nucleotide variant.
Coding change: c.418G>T on transcript NM_014967.5 (MANE Select); coding-DNA position 418, G replaced by T.
Protein change: p.Asp140Tyr; replaces aspartic acid 140 with tyrosine.
Molecular consequence: missense variant.
Genome position (GRCh38, 1-based): chr15:30,905,081, G>T. VCF-style: chr15-30905081-G-T. GRCh37 (hg19) VCF-style: chr15-31197284-G-T.
Other names: c.418G>T, p.Asp140Tyr (NM_001146094.2, NM_001146095.1, NM_001146096.2); short protein forms D140Y.
Identifiers: ClinVar variation 2630489 (VCV002630489.2), dbSNP rs761776412, ClinGen allele CA7450056.